The following is an entry in ClinVar:

ClinVar aggregate classification (germline): Uncertain significance (1 of 4 stars; one submission).

Conditions:
Aicardi-Goutieres syndrome 6 (AGS6). Identifiers: Orphanet 51, MedGen C3539013, MONDO:0014007, OMIM 615010.
Symmetrical dyschromatosis of extremities (DSH). Also called: RETICULATE ACROPIGMENTATION OF DOHI; SYMMETRIC DYSCHROMATOSIS OF THE EXTREMITIES; Dyschromatosis symmetrica hereditaria; DYSCHROMATOSIS SYMMETRICA HEREDITARIA 1. Identifiers: Orphanet 41, MedGen C0406775, MONDO:0007483, OMIM 127400.

Submission:

Labcorp Genetics (formerly Invitae), Labcorp
Classification: Uncertain significance for Aicardi-Goutieres syndrome 6; Symmetrical dyschromatosis of extremities. Last evaluated: 2022-08-09. Review status: criteria provided, single submitter. Criteria: Invitae Variant Classification Sherloc (09022015). Collection method: clinical testing. Allele origin: germline.
Comment: This sequence change replaces aspartic acid, which is acidic and polar, with glutamic acid, which is acidic and polar, at codon 289 of the ADAR protein (p.Asp289Glu). This variant is not present in population databases (gnomAD no frequency). This variant has not been reported in the literature in individuals affected with ADAR-related conditions. Algorithms developed to predict the effect of missense changes on protein structure and function output the following: SIFT: "Deleterious"; PolyPhen-2: "Benign"; Align-GVGD: "Class C0". The glutamic acid amino acid residue is found in multiple mammalian species, which suggests that this missense change does not adversely affect protein function. In summary, the available evidence is currently insufficient to determine the role of this variant in disease. Therefore, it has been classified as a Variant of Uncertain Significance.

NM_001111.5(ADAR):c.867T>G (p.Asp289Glu)

Gene: ADAR (adenosine deaminase RNA specific; minus strand). Cytogenetic location: 1q21.3.
Variant type: single nucleotide variant.
Coding change: c.867T>G on transcript NM_001111.5 (MANE Select); coding-DNA position 867, T replaced by G.
Protein change: p.Asp289Glu; replaces aspartic acid 289 with glutamic acid.
Molecular consequence: missense variant. On other transcripts: 5 prime UTR variant (6).
Genome position (GRCh38, 1-based): chr1:154,601,775, A>C on the plus strand (T>G on the coding strand, the complement: ADAR is on the minus strand). VCF-style: chr1-154601775-A-C. GRCh37 (hg19) VCF-style: chr1-154574251-A-C.
Other names: c.-19T>G (NM_001025107.3, NM_001193495.2, NM_001365046.1 and 3 more transcripts); c.894T>G, p.Asp298Glu (NM_001365045.1); c.867T>G, p.Asp289Glu (NM_015840.4, NM_015841.4); short protein forms D289E, D298E.
Identifiers: ClinVar variation 2085306 (VCV002085306.4), dbSNP rs2526657588, ClinGen allele CA342599629.